The following is an entry in ClinVar:

NM_000545.8(HNF1A):c.-64_-55delinsGC

Gene: HNF1A (HNF1 homeobox A; plus strand). Cytogenetic location: 12q24.31.
Variant type: Indel.
Coding change: c.-64_-55delinsGC on transcript NM_000545.8 (MANE Select); 64 bases upstream of the start codon through 55 bases upstream of the start codon, CACGCGGTGG replaced by GC.
Molecular consequence: 5 prime UTR variant.
Genome position (GRCh38, 1-based): chr12:120,978,705-120,978,714, CACGCGGTGG replaced by GC. VCF-style: chr12-120978705-CACGCGGTGG-GC. GRCh37 (hg19) VCF-style: chr12-121416508-CACGCGGTGG-GC.
Other names: c.-64_-55delinsGC (NM_000545.6, NM_001306179.2, NM_001406915.1).
Identifiers: ClinVar variation 3574277 (VCV003574277.4).

ClinVar aggregate classification (germline): Conflicting classifications of pathogenicity. Review status: criteria provided, conflicting classifications (1 of 4 stars). 3 submissions from 3 submitters: Likely pathogenic (2); Uncertain significance (1). Last evaluated 2024-05-20.

Conditions:
Diabetes mellitus type 1 (T1D). Also called: Diabetes Mellitus, Juvenile-Onset; Type I diabetes mellitus. Identifiers: MedGen C0011854, MONDO:0005147, OMIM 222100, HP:0100651.
Maturity-onset diabetes of the young type 3. Also called: MODY type 3; MODY, type III. Identifiers: Orphanet 552, MedGen C1838100, MeSH C563933, MONDO:0010894, OMIM 600496. Disease mechanism: loss of function.
Nonpapillary renal cell carcinoma. Identifiers: Orphanet 422526, MedGen CN074294, MONDO:0007763, OMIM 144700.
Type 1 diabetes mellitus 20 (T1D20). Also called: Diabetes mellitus, insulin-dependent, 20. Identifiers: MedGen C2675866, MONDO:0012919, OMIM 612520.
Type 2 diabetes mellitus. Also called: Type II diabetes mellitus. Identifiers: MedGen C0011860, MeSH D003924, MONDO:0005148, OMIM 125853, HP:0005978.
Hepatic adenomas, familial. Also called: LIVER CELL ADENOMAS, FAMILIAL; HEPATIC ADENOMA, SOMATIC. Identifiers: MedGen C1840646, MONDO:0007718, OMIM 142330.

Submissions (3):

Fulgent Genetics
Classification: Likely pathogenic for Type 2 diabetes mellitus; Hepatic adenomas, familial; Nonpapillary renal cell carcinoma; Diabetes mellitus type 1; Maturity-onset diabetes of the young type 3; Type 1 diabetes mellitus 20. Last evaluated: 2024-05-20. Review status: criteria provided, single submitter. Criteria: ACMG Guidelines, 2015. Collection method: clinical testing. Allele origin: germline.

Department of Medical Genomics, Royal Prince Alfred Hospital
Classification: Likely pathogenic for Maturity-onset diabetes of the young type 3. Last evaluated: 2023-09-15. Review status: criteria provided, single submitter. Criteria: ACMG Guidelines, 2015. Collection method: clinical testing. Allele origin: germline. Inheritance: Autosomal dominant inheritance. Affected: yes. Observed: 1 heterozygote.
Comment: HbA1c was 9% at presentation. This indel is a rare variant not detected in control population database (gnomAD v.2.1.1). The indel was reported in two independent MODY3 families, and segregated with phenotype. In vitro functional studies showed that the indel causes a reduction in HNF1A promoter activity. Other promoter variants in HNF1A have also been reported in patients with MODY3.

Blueprint Genetics
Classification: Uncertain significance. Last evaluated: 2021-05-26. Review status: criteria provided, single submitter. Criteria: ACMG Guidelines, 2015. Collection method: clinical testing. Allele origin: germline.

Literature cited by the submitters: PubMed 16917892 (cited by Department of Medical Genomics, Royal Prince Alfred Hospital); PubMed 21170474 (cited by Department of Medical Genomics, Royal Prince Alfred Hospital); PubMed 32860162 (cited by Department of Medical Genomics, Royal Prince Alfred Hospital).